The following is an entry in ClinVar:

NM_014363.6(SACS):c.370G>T (p.Ala124Ser)

Gene: SACS (sacsin molecular chaperone; minus strand). Cytogenetic location: 13q12.12.
Variant type: single nucleotide variant.
Coding change: c.370G>T on transcript NM_014363.6 (MANE Select); coding-DNA position 370, G replaced by T.
Protein change: p.Ala124Ser; replaces alanine 124 with serine.
Molecular consequence: missense variant. On other transcripts: 5 prime UTR variant (1).
Genome position (GRCh38, 1-based): chr13:23,365,253, C>A on the plus strand (G>T on the coding strand, the complement: SACS is on the minus strand). VCF-style: chr13-23365253-C-A. GRCh37 (hg19) VCF-style: chr13-23939392-C-A.
Other names: c.-72G>T (NM_001278055.2); short protein forms A124S.
Identifiers: ClinVar variation 3026477 (VCV003026477.22), dbSNP rs1870993183, ClinGen allele CA387552709.

ClinVar aggregate classification (germline): Uncertain significance (1 of 4 stars; one submission).

Allele frequency attached by ClinVar (database versions not stated): gnomAD exomes below 0.00001; TOPMed below 0.00001.
gnomAD v4.1: 3 of 1,608,466 alleles (0.00019%); highest among the groups gnomAD compares: Non-Finnish European, 0.00025%; no homozygotes.

Submission:

CeGaT Center for Human Genetics Tuebingen
Classification: Uncertain significance. Last evaluated: 2024-01-01. Review status: criteria provided, single submitter. Criteria: CeGaT Center For Human Genetics Tuebingen Variant Classification Criteria Version 2. Collection method: clinical testing. Allele origin: germline. Affected: yes. Observed: 1 variant allele.
Comment: SACS: PM2